The following is an entry in ClinVar:

NM_001291867.2(NHS):c.4199A>G (p.Asn1400Ser)

Gene: NHS (NHS actin remodeling regulator; plus strand). Cytogenetic location: Xp22.13.
Variant type: single nucleotide variant.
Coding change: c.4199A>G on transcript NM_001291867.2 (MANE Select); coding-DNA position 4199, A replaced by G.
Protein change: p.Asn1400Ser; replaces asparagine 1400 with serine.
Molecular consequence: missense variant.
Genome position (GRCh38, 1-based): chrX:17,728,305, A>G. VCF-style: chrX-17728305-A-G. GRCh37 (hg19) VCF-style: chrX-17746425-A-G.
Other names: c.3668A>G, p.Asn1223Ser (NM_001136024.4); c.3605A>G, p.Asn1202Ser (NM_001291868.2); c.4136A>G, p.Asn1379Ser (NM_198270.4); short protein forms N1202S, N1223S, N1379S, N1400S.
Identifiers: ClinVar variation 2501857 (VCV002501857.1), dbSNP rs2519942834, ClinGen allele CA412367757.
Genomic context (GRCh38, chrX:17,728,305, plus strand): 5'-CTTCAGGTATTTCAGCCAAAAGTGCCTCTGATAACAGCAAAGCAGAGGAGACCCAAGGAA[A>G]TGTGGATGAGGCTTCATTGAAAGGTCAGTCACTGATAACTTTGTCATAAAGGAAATGTGT-3'
Protein context (NP_001278796.1, residues 1390-1410): DNSKAEETQG[Asn1400Ser]VDEASLKESS

ClinVar aggregate classification (germline): Uncertain significance (1 of 4 stars; one submission).

Allele frequency attached by ClinVar (database versions not stated): gnomAD exomes below 0.00001.
gnomAD v4.1: 1 of 1,211,500 alleles (0.000083%); highest among the groups gnomAD compares: East Asian, 0.003%; no homozygotes.

Submission:

GeneDx
Classification: Uncertain significance. Last evaluated: 2022-11-14. Review status: criteria provided, single submitter. Criteria: GeneDx Variant Classification Process June 2021. Collection method: clinical testing. Allele origin: germline. Affected: yes.
Comment: Not observed at significant frequency in large population cohorts (gnomAD); In silico analysis supports that this missense variant does not alter protein structure/function; Has not been previously published as pathogenic or benign to our knowledge